The following is an entry in ClinVar:

ClinVar aggregate classification (germline): Uncertain significance (1 of 4 stars; one submission).

Conditions:
Primary dilated cardiomyopathy (DCM). Also called: Dilated Cardiomyopathy. Identifiers: Orphanet 217604, MedGen C0007193, MeSH D002311, MONDO:0005021, HP:0001644. Inheritance: Various modes of inheritance.

gnomAD v4.1: 2 of 1,611,480 alleles (0.00012%); highest among the groups gnomAD compares: Non-Finnish European, 0.00017%; no homozygotes.

Submission:

Labcorp Genetics (formerly Invitae), Labcorp
Classification: Uncertain significance for Primary dilated cardiomyopathy. Last evaluated: 2024-03-26. Review status: criteria provided, single submitter. Criteria: Invitae Variant Classification Sherloc (09022015). Collection method: clinical testing. Allele origin: germline.
Comment: This sequence change replaces glutamine, which is neutral and polar, with proline, which is neutral and non-polar, at codon 187 of the NEBL protein (p.Gln187Pro). This variant is not present in population databases (gnomAD no frequency). This variant has not been reported in the literature in individuals affected with NEBL-related conditions. An algorithm developed to predict the effect of missense changes on protein structure and function (PolyPhen-2) suggests that this variant is likely to be tolerated. In summary, the available evidence is currently insufficient to determine the role of this variant in disease. Therefore, it has been classified as a Variant of Uncertain Significance.

NM_006393.3(NEBL):c.560A>C (p.Gln187Pro)

Gene: NEBL (nebulette; minus strand). Cytogenetic location: 10p12.31.
Variant type: single nucleotide variant.
Coding change: c.560A>C on transcript NM_006393.3 (MANE Select); coding-DNA position 560, A replaced by C.
Protein change: p.Gln187Pro; replaces glutamine 187 with proline.
Molecular consequence: missense variant. On other transcripts: intron variant (9).
Genome position (GRCh38, 1-based): chr10:20,869,762, T>G on the plus strand (A>C on the coding strand, the complement: NEBL is on the minus strand). VCF-style: chr10-20869762-T-G. GRCh37 (hg19) VCF-style: chr10-21158691-T-G.
Other names: c.250-56822A>C (NM_001377326.1, NM_001377327.1, NM_001377328.1); c.358-56822A>C (NM_213569.2, NM_001173484.2, NM_001377322.1); c.301-56822A>C (NM_001377324.1); c.292-56822A>C (NM_001377325.1); c.310-56822A>C (NM_001377323.1); short protein forms Q187P.
Identifiers: ClinVar variation 3713929 (VCV003713929.2).